The following is an entry in ClinVar:

NM_001374828.1(ARID1B):c.6793G>A (p.Asp2265Asn)

Gene: ARID1B (AT-rich interaction domain 1B; plus strand). Cytogenetic location: 6q25.3.
Variant type: single nucleotide variant.
Coding change: c.6793G>A on transcript NM_001374828.1 (MANE Select); coding-DNA position 6793, G replaced by A.
Protein change: p.Asp2265Asn; replaces aspartic acid 2265 with asparagine.
Molecular consequence: missense variant.
Genome position (GRCh38, 1-based): chr6:157,207,565, G>A. VCF-style: chr6-157207565-G-A. GRCh37 (hg19) VCF-style: chr6-157528699-G-A.
Other names: c.4294G>A, p.Asp1432Asn (NM_001363725.2); c.6673G>A, p.Asp2225Asn (NM_001371656.1, NM_001374820.1); c.6634G>A, p.Asp2212Asn (NM_017519.3); short protein forms D1432N, D2212N, D2225N, D2265N.
Identifiers: ClinVar variation 1686396 (VCV001686396.4), dbSNP rs2128398514, ClinGen allele CA366249070.

ClinVar aggregate classification (germline): Conflicting classifications of pathogenicity. Review status: criteria provided, conflicting classifications (1 of 4 stars). 2 submissions from 2 submitters: Uncertain significance (1); Likely benign (1). Last evaluated 2024-01-26.

Submissions (2):

Labcorp Genetics (formerly Invitae), Labcorp
Classification: Uncertain significance. Last evaluated: 2024-01-26. Review status: criteria provided, single submitter. Criteria: Invitae Variant Classification Sherloc (09022015). Collection method: clinical testing. Allele origin: germline.
Comment: This sequence change replaces aspartic acid, which is acidic and polar, with asparagine, which is neutral and polar, at codon 2142 of the ARID1B protein (p.Asp2142Asn). This variant is not present in population databases (gnomAD no frequency). This variant has not been reported in the literature in individuals affected with ARID1B-related conditions. ClinVar contains an entry for this variant (Variation ID: 1686396). Advanced modeling of protein sequence and biophysical properties (such as structural, functional, and spatial information, amino acid conservation, physicochemical variation, residue mobility, and thermodynamic stability) has been performed at Invitae for this missense variant, however the output from this modeling did not meet the statistical confidence thresholds required to predict the impact of this variant on ARID1B protein function. In summary, the available evidence is currently insufficient to determine the role of this variant in disease. Therefore, it has been classified as a Variant of Uncertain Significance.

Mendelics
Classification: Likely benign. Last evaluated: 2022-05-04. Review status: criteria provided, single submitter. Criteria: Mendelics Assertion Criteria 2019. Collection method: clinical testing. Allele origin: germline.